The following is an entry in ClinVar:

NM_153703.5(PODN):c.1500C>T (p.Leu500=)

Gene: PODN (podocan; plus strand). Cytogenetic location: 1p32.3.
Variant type: single nucleotide variant.
Coding change: c.1500C>T on transcript NM_153703.5 (MANE Select); coding-DNA position 1500, C replaced by T.
Protein change: p.Leu500=; no amino-acid change (leucine 500 retained).
Molecular consequence: synonymous variant.
Genome position (GRCh38, 1-based): chr1:53,079,010, C>T. VCF-style: chr1-53079010-C-T. GRCh37 (hg19) VCF-style: chr1-53544682-C-T.
Other names: c.1500C>T, p.Leu500= (NM_001199080.4, NM_001199081.3).
Identifiers: ClinVar variation 2638820 (VCV002638820.24), dbSNP rs368759459, ClinGen allele CA858071.

ClinVar aggregate classification (germline): Likely benign (1 of 4 stars; one submission).

Allele frequency attached by ClinVar (database versions not stated): 1000 Genomes Project 30x 0.00047; 1000 Genomes Project 0.00060; gnomAD exomes 0.00060; TOPMed 0.00061; gnomAD 0.00066; ESP Exome Variant Server 0.00110; ExAC 0.00204.
gnomAD v4.1: 990 of 1,550,936 alleles (0.064%); highest among the groups gnomAD compares: Middle Eastern, 0.18%; 2 homozygotes.

Submission:

CeGaT Center for Human Genetics Tuebingen
Classification: Likely benign. Last evaluated: 2023-02-01. Review status: criteria provided, single submitter. Criteria: CeGaT Center For Human Genetics Tuebingen Variant Classification Criteria Version 2. Collection method: clinical testing. Allele origin: germline. Affected: yes. Observed: 1 variant allele.
Comment: PODN: BP4, BP7